The following is an entry in ClinVar:

NM_005993.5(TBCD):c.592_595del (p.Ile198fs)

Gene: TBCD (tubulin folding cofactor D). Cytogenetic location: 17q25.3.
Variant type: Deletion.
Coding change: c.592_595del on transcript NM_005993.5 (MANE Select); coding-DNA positions 592 to 595, 4 bases deleted.
Protein change: p.Ile198fs; shifts the reading frame from isoleucine 198.
Molecular consequence: frameshift variant.
Genome position: GRCh38 VCF-style: chr17-82772457-CTTGA-C. GRCh37 (hg19) VCF-style: chr17-80730333-CTTGA-C.
Other names: c.541_544del, p.Ile181fs (NM_001411101.1); c.592_595del, p.Ile198fs (NM_001411102.1); short protein forms I181fs, I198fs.
Identifiers: ClinVar variation 2797597 (VCV002797597.3), dbSNP rs867075139, ClinGen allele CA295272629.

ClinVar aggregate classification (germline): Pathogenic (1 of 4 stars; one submission).

Submission:

Labcorp Genetics (formerly Invitae), Labcorp
Classification: Pathogenic. Last evaluated: 2023-09-08. Review status: criteria provided, single submitter. Criteria: Invitae Variant Classification Sherloc (09022015). Collection method: clinical testing. Allele origin: germline.
Comment: This variant is not present in population databases (gnomAD no frequency). For these reasons, this variant has been classified as Pathogenic. This variant has not been reported in the literature in individuals affected with TBCD-related conditions. This sequence change creates a premature translational stop signal (p.Ile198Serfs*100) in the TBCD gene. It is expected to result in an absent or disrupted protein product. Loss-of-function variants in TBCD are known to be pathogenic (PMID: 27666370, 27666374).

Literature cited by the submitters: PubMed 27666370; PubMed 27666374.